The following is an entry in ClinVar:

NM_052872.4(IL17F):c.413_414del (p.Ser138fs)

Gene: IL17F (interleukin 17F; minus strand). Cytogenetic location: 6p12.2.
Variant type: Microsatellite.
Coding change: c.413_414del on transcript NM_052872.4 (MANE Select); coding-DNA positions 413 to 414, 2 bases deleted (CT; older notation c.413_414delCT).
Protein change: p.Ser138fs; shifts the reading frame from serine 138.
Molecular consequence: frameshift variant.
Genome position (GRCh38, 1-based): chr6:52,237,009-52,237,010, AG deleted on the plus strand (CT on the coding strand, the reverse complement: IL17F is on the minus strand); deleting any 2 consecutive bases within chr6:52,237,009-52,237,012 gives the same sequence; the c. name uses the placement nearest the transcript's 3' end. VCF-style (leftmost placement, unchanged base first): chr6-52237008-CAG-C. GRCh37 (hg19) VCF-style: chr6-52101806-CAG-C.
Other names: p.Ser138Cysfs*34; c.413_414delCT (NM_052872.3); short protein forms S138fs.
Identifiers: ClinVar variation 539173 (VCV000539173.14), dbSNP rs11465552, ClinGen allele CA3854357.

ClinVar aggregate classification (germline): Conflicting classifications of pathogenicity. Review status: criteria provided, conflicting classifications (1 of 4 stars). 3 submissions from 3 submitters: Uncertain significance (1); Likely benign (2). Last evaluated 2026-01-16.

Conditions:
Candidiasis, familial, 6 (CANDF6). Also called: Candidiasis, familial, 6, autosomal dominant. Identifiers: Orphanet 1334, MedGen C3151405, MONDO:0013503, OMIM 613956.

Submissions (3):

Labcorp Genetics (formerly Invitae), Labcorp
Classification: Likely benign for Candidiasis, familial, 6. Last evaluated: 2026-01-16. Review status: criteria provided, single submitter. Criteria: Invitae Variant Classification Sherloc (09022015). Collection method: clinical testing. Allele origin: germline.

Mayo Clinic Laboratories, Mayo Clinic
Classification: Uncertain significance. Last evaluated: 2024-07-09. Review status: criteria provided, single submitter. Criteria: ACMG Guidelines, 2015. Collection method: clinical testing. Allele origin: germline. Observed: 1 variant allele.
Comment: BS1

Blueprint Genetics
Classification: Likely benign. Last evaluated: 2024-02-12. Review status: criteria provided, single submitter. Criteria: ACMG Guidelines, 2015. Collection method: clinical testing. Allele origin: germline.